The following is an entry in ClinVar:

NM_006258.4(PRKG1):c.1934G>T (p.Gly645Val)

Gene: PRKG1 (protein kinase cGMP-dependent 1; plus strand). Cytogenetic location: 10q21.1.
Variant type: single nucleotide variant.
Coding change: c.1934G>T on transcript NM_006258.4 (MANE Select); coding-DNA position 1934, G replaced by T.
Protein change: p.Gly645Val; replaces glycine 645 with valine.
Molecular consequence: missense variant.
Genome position (GRCh38, 1-based): chr10:52,290,262, G>T. VCF-style: chr10-52290262-G-T. GRCh37 (hg19) VCF-style: chr10-54050022-G-T.
Other names: c.1934G>T (NM_006258.3); c.1889G>T, p.Gly630Val (NM_001098512.3); c.725G>T, p.Gly242Val (NM_001374781.1); short protein forms G645V, G630V, G242V.
Identifiers: ClinVar variation 1368426 (VCV001368426.7), dbSNP rs2132462447, ClinGen allele CA376536658.

ClinVar aggregate classification (germline): Uncertain significance. Review status: criteria provided, multiple submitters, no conflicts (2 of 4 stars). 2 submissions from 2 submitters: Uncertain significance (2). Last evaluated 2023-08-02.

Conditions:
Aortic aneurysm, familial thoracic 8 (AAT8). Identifiers: MedGen C3809513, MONDO:0014187, OMIM 615436.
Familial thoracic aortic aneurysm and aortic dissection (TAAD). Also called: Thoracic aortic aneurysms and dissections. Identifiers: Orphanet 91387, MedGen C4707243, MONDO:0019625.

Allele frequency attached by ClinVar (database versions not stated): gnomAD exomes below 0.00001.
gnomAD v4.1: 2 of 1,612,912 alleles (0.00012%); highest among the groups gnomAD compares: Non-Finnish European, 0.000085%; no homozygotes.

Submissions (2):

Labcorp Genetics (formerly Invitae), Labcorp
Classification: Uncertain significance for Aortic aneurysm, familial thoracic 8. Last evaluated: 2023-08-02. Review status: criteria provided, single submitter. Criteria: Invitae Variant Classification Sherloc (09022015). Collection method: clinical testing. Allele origin: germline.
Comment: This sequence change replaces glycine, which is neutral and non-polar, with valine, which is neutral and non-polar, at codon 645 of the PRKG1 protein (p.Gly645Val). In summary, the available evidence is currently insufficient to determine the role of this variant in disease. Therefore, it has been classified as a Variant of Uncertain Significance. An algorithm developed to predict the effect of missense changes on protein structure and function (PolyPhen-2) suggests that this variant is likely to be tolerated. ClinVar contains an entry for this variant (Variation ID: 1368426). This variant has not been reported in the literature in individuals affected with PRKG1-related conditions. This variant is not present in population databases (gnomAD no frequency).

Ambry Genetics
Classification: Uncertain significance for Familial thoracic aortic aneurysm and aortic dissection. Last evaluated: 2023-05-26. Review status: criteria provided, single submitter. Criteria: Ambry Variant Classification Scheme 2023. Collection method: clinical testing. Allele origin: germline.
Comment: The p.G645V variant (also known as c.1934G>T), located in coding exon 17 of the PRKG1 gene, results from a G to T substitution at nucleotide position 1934. The glycine at codon 645 is replaced by valine, an amino acid with dissimilar properties. This amino acid position is conserved. In addition, the in silico prediction for this alteration is inconclusive. Since supporting evidence is limited at this time, the clinical significance of this alteration remains unclear.